The following is an entry in ClinVar:

NM_001080466.2(BTBD17):c.448C>T (p.Leu150=)

Gene: BTBD17 (BTB domain containing 17; minus strand). Cytogenetic location: 17q25.1.
Variant type: single nucleotide variant.
Coding change: c.448C>T on transcript NM_001080466.2 (MANE Select); coding-DNA position 448, C replaced by T.
Protein change: p.Leu150=; no amino-acid change (leucine 150 retained).
Molecular consequence: synonymous variant.
Genome position (GRCh38, 1-based): chr17:74,357,646, G>A on the plus strand (C>T on the coding strand, the complement: BTBD17 is on the minus strand). VCF-style: chr17-74357646-G-A. GRCh37 (hg19) VCF-style: chr17-72353785-G-A.
Identifiers: ClinVar variation 3250688 (VCV003250688.18), dbSNP rs534508311.

ClinVar aggregate classification (germline): Likely benign (1 of 4 stars; one submission).

Allele frequency attached by ClinVar (database versions not stated): gnomAD 0.00001; gnomAD exomes 0.00001; ExAC 0.00015; 1000 Genomes Project 0.00020; 1000 Genomes Project 30x 0.00031.

Submission:

CeGaT Center for Human Genetics Tuebingen
Classification: Likely benign. Last evaluated: 2026-08-01. Review status: criteria provided, single submitter. Criteria: CeGaT Center For Human Genetics Tuebingen Variant Classification Criteria Version 2. Collection method: clinical testing. Allele origin: germline. Affected: yes. Observed: 5 variant alleles.
Comment: BTBD17: BP4, BP7